The following is an entry in ClinVar:

NM_206933.4(USH2A):c.9109C>T (p.Arg3037Cys)

Gene: USH2A (usherin; minus strand). Cytogenetic location: 1q41.
Variant type: single nucleotide variant.
Coding change: c.9109C>T on transcript NM_206933.4 (MANE Select); coding-DNA position 9109, C replaced by T.
Protein change: p.Arg3037Cys; replaces arginine 3037 with cysteine.
Molecular consequence: missense variant.
Genome position (GRCh38, 1-based): chr1:215,844,443, G>A on the plus strand (C>T on the coding strand, the complement: USH2A is on the minus strand). VCF-style: chr1-215844443-G-A. GRCh37 (hg19) VCF-style: chr1-216017785-G-A.
Other names: short protein forms R3037C.
Identifiers: ClinVar variation 850245 (VCV000850245.13), dbSNP rs770418427, ClinGen allele CA1394401.

ClinVar aggregate classification (germline): Uncertain significance. Review status: criteria provided, multiple submitters, no conflicts (2 of 4 stars). 7 submissions from 6 submitters: Uncertain significance (6). 1 of the submissions does not count toward it. Last evaluated 2025-06-24.

Conditions:
Retinitis pigmentosa 39 (RP39). Identifiers: Orphanet 791, MedGen C3151138, MONDO:0013436, OMIM 613809.
Usher syndrome type 2A. Also called: RETINAL DISEASE IN USHER SYNDROME TYPE IIA, MODIFIER OF; USHER SYNDROME, TYPE IIA. Identifiers: Orphanet 231178, Orphanet 886, MedGen C1848634, MONDO:0010169, OMIM 276901.
Retinal dystrophy. Also called: Inherited retinal dystrophy. Identifiers: Orphanet 71862, MedGen C0854723, MeSH D058499, MONDO:0019118, HP:0000556.

Allele frequency attached by ClinVar (database versions not stated): gnomAD 0.00001; gnomAD exomes 0.00001; TOPMed 0.00001; ExAC 0.00002.
gnomAD v4.1: 13 of 1,612,584 alleles (0.00081%); highest among the groups gnomAD compares: East Asian, 0.0045%; no homozygotes.

Submissions (7):

GeneDx
Classification: Uncertain significance. Last evaluated: 2025-06-24. Review status: criteria provided, single submitter. Criteria: GeneDx Variant Classification Process June 2021. Collection method: clinical testing. Allele origin: germline. Affected: yes.
Comment: Not observed at significant frequency in large population cohorts (gnomAD); In silico analysis supports that this missense variant has a deleterious effect on protein structure/function; Has not been previously published as pathogenic or benign to our knowledge

Blueprint Genetics
Classification: Uncertain significance. Last evaluated: 2024-09-13. Review status: criteria provided, single submitter. Criteria: ACMG Guidelines, 2015. Collection method: clinical testing. Allele origin: germline.

Labcorp Genetics (formerly Invitae), Labcorp
Classification: Uncertain significance. Last evaluated: 2024-08-22. Review status: criteria provided, single submitter. Criteria: Invitae Variant Classification Sherloc (09022015). Collection method: clinical testing. Allele origin: germline.
Comment: This sequence change replaces arginine, which is basic and polar, with cysteine, which is neutral and slightly polar, at codon 3037 of the USH2A protein (p.Arg3037Cys). This variant is present in population databases (rs770418427, gnomAD 0.005%). This variant has not been reported in the literature in individuals affected with USH2A-related conditions. ClinVar contains an entry for this variant (Variation ID: 850245). Invitae Evidence Modeling of protein sequence and biophysical properties (such as structural, functional, and spatial information, amino acid conservation, physicochemical variation, residue mobility, and thermodynamic stability) indicates that this missense variant is not expected to disrupt USH2A protein function with a negative predictive value of 95%. In summary, the available evidence is currently insufficient to determine the role of this variant in disease. Therefore, it has been classified as a Variant of Uncertain Significance.

Genome-Nilou Lab
Classification: Uncertain significance for Retinitis pigmentosa 39. Last evaluated: 2023-11-04. Review status: criteria provided, single submitter. Criteria: ACMG Guidelines, 2015. Collection method: clinical testing. Allele origin: germline. Affected: no.

Genome-Nilou Lab
Classification: Uncertain significance for Usher syndrome type 2A. Last evaluated: 2023-11-04. Review status: criteria provided, single submitter. Criteria: ACMG Guidelines, 2015. Collection method: clinical testing. Allele origin: germline. Affected: no.

Dept Of Ophthalmology, Nagoya University
Classification: Uncertain significance for Retinal dystrophy. Last evaluated: 2023-10-01. Review status: criteria provided, single submitter. Criteria: Submitter's publication. Collection method: research. Allele origin: germline. Affected: yes.

Natera, Inc.
Classification: Uncertain significance for Usher syndrome type 2A. Last evaluated: 2020-02-26. Review status: no assertion criteria provided. Collection method: clinical testing. Allele origin: germline. Not counted in ClinVar's aggregate classification.